The following is an entry in ClinVar:

ClinVar aggregate classification (germline): Uncertain significance (1 of 4 stars; one submission).

Submission:

GeneDx
Classification: Uncertain significance. Last evaluated: 2024-07-31. Review status: criteria provided, single submitter. Criteria: GeneDx Variant Classification Process June 2021. Collection method: clinical testing. Allele origin: germline. Affected: yes.
Comment: Has not been previously published as pathogenic or benign to our knowledge; In silico analysis indicates that this missense variant does not alter protein structure/function; Not observed at significant frequency in large population cohorts (gnomAD)

NM_005378.6(MYCN):c.196G>A (p.Gly66Ser)

Genes: MYCN (MYCN proto-oncogene, bHLH transcription factor; plus strand), MYCNOS (MYCN opposite strand; minus strand). Cytogenetic location: 2p24.3.
Variant type: single nucleotide variant.
Coding change: c.196G>A on transcript NM_005378.6 (MANE Select); coding-DNA position 196, G replaced by A.
Protein change: p.Gly66Ser; replaces glycine 66 with serine.
Molecular consequence: missense variant. On other transcripts: non-coding transcript variant (1), 3 prime UTR variant (1), intron variant (1).
Genome position (GRCh38, 1-based): chr2:15,942,260, G>A. VCF-style: chr2-15942260-G-A. GRCh37 (hg19) VCF-style: chr2-16082382-G-A.
Other names: c.196G>A, p.Gly66Ser (NM_001293228.2); c.*131G>A (NM_001293233.2); c.157+1517G>A (NM_001293231.2); short protein forms G66S.
Identifiers: ClinVar variation 3602216 (VCV003602216.1).